The following is an entry in ClinVar:

ClinVar aggregate classification (germline): Uncertain significance (1 of 4 stars; one submission).

gnomAD v4.1: 22 of 1,581,180 alleles (0.0014%); highest among the groups gnomAD compares: African/African-American, 0.022%; no homozygotes.

Submission:

Women's Health and Genetics/Laboratory Corporation of America, LabCorp
Classification: Uncertain significance. Last evaluated: 2024-12-10. Review status: criteria provided, single submitter. Criteria: LabCorp Variant Classification Summary - May 2015. Collection method: clinical testing. Allele origin: germline.
Comment: Variant summary: HTT c.2698-6C>T alters a nucleotide located close to a canonical splice site and therefore could affect mRNA splicing, leading to a significantly altered protein sequence. Consensus agreement among computation tools predict no significant impact on normal splicing. However, these predictions have yet to be confirmed by functional studies. The variant allele was found at a frequency of 1.6e-05 in 246258 control chromosomes. The available data on variant occurrences in the general population are insufficient to allow any conclusion about variant significance. To our knowledge, no occurrence of c.2698-6C>T in individuals affected with Huntington Disease and no experimental evidence demonstrating its impact on protein function have been reported. No submitters have cited clinical-significance assessments for this variant to ClinVar. Based on the evidence outlined above, the variant was classified as uncertain significance.

NM_001388492.1(HTT):c.2698-6C>T

Gene: HTT (huntingtin; plus strand). Cytogenetic location: 4p16.3.
Variant type: single nucleotide variant.
Coding change: c.2698-6C>T on transcript NM_001388492.1 (MANE Select); 6 bases into the intron before coding-DNA position 2698, C replaced by T.
Molecular consequence: intron variant.
Genome position (GRCh38, 1-based): chr4:3,136,220, C>T. VCF-style: chr4-3136220-C-T. GRCh37 (hg19) VCF-style: chr4-3137947-C-T.
Other names: c.2698-6C>T (NM_002111.8); c.2704-6C>T (NM_002111.8).
Identifiers: ClinVar variation 3768173 (VCV003768173.1).